The following is an entry in ClinVar:

NM_007294.4(BRCA1):c.2824G>A (p.Ala942Thr)

Gene: BRCA1 (BRCA1 DNA repair associated; minus strand). Cytogenetic location: 17q21.31.
Variant type: single nucleotide variant.
Coding change: c.2824G>A on transcript NM_007294.4 (MANE Select); coding-DNA position 2824, G replaced by A.
Protein change: p.Ala942Thr; replaces alanine 942 with threonine.
Molecular consequence: missense variant. On other transcripts: intron variant (137).
Genome position (GRCh38, 1-based): chr17:43,092,707, C>T on the plus strand (G>A on the coding strand, the complement: BRCA1 is on the minus strand). VCF-style: chr17-43092707-C-T. GRCh37 (hg19) VCF-style: chr17-41244724-C-T.
Other names: c.647-1675G>A (NM_001408460.1, NM_001408454.1, NM_001408456.1 and 11 more transcripts); c.707-1675G>A (NM_001408413.1, NM_001408416.1); c.587-1675G>A (NM_001408476.1, NM_001408474.1); c.710-1675G>A (NM_001408409.1, NM_001408414.1, NM_001408411.1 and 2 more transcripts); c.575-1675G>A (NM_001408493.1, NM_001408490.1, NM_001408491.1); c.455-1675G>A (NM_001408502.1); c.578-1675G>A (NM_001408489.1, NM_001408479.1, NM_001408482.1 and 9 more transcripts); c.662-1675G>A (NM_001408445.1, NM_001408432.1, NM_001408450.1 and 6 more transcripts); and 41 more; short protein forms A774T, A874T, A901T, A915T, A916T, A942T, A814T, A830T.
Identifiers: ClinVar variation 1796491 (VCV001796491.4), dbSNP rs2154357673, ClinGen allele CA10596344.

ClinVar aggregate classification (germline): Conflicting classifications of pathogenicity. Review status: criteria provided, conflicting classifications (1 of 4 stars). 2 submissions from 2 submitters: Uncertain significance (1); Likely benign (1). Last evaluated 2023-03-23.

Conditions:
Hereditary cancer-predisposing syndrome. Also called: Tumor predisposition; Hereditary Cancer Syndrome; Neoplastic Syndromes, Hereditary; Hereditary neoplastic syndrome. Identifiers: Orphanet 140162, MedGen C0027672, MeSH D009386, MONDO:0015356.

Submissions (2):

University of Washington Department of Laboratory Medicine, University of Washington
Classification: Likely benign for Hereditary cancer-predisposing syndrome. Last evaluated: 2023-03-23. Review status: criteria provided, single submitter. Criteria: Dines et al. (Genet Med. 2020). Collection method: curation. Allele origin: germline.
Comment: Missense variant in a coldspot region where missense variants are very unlikely to be pathogenic (PMID:31911673).

BRCA1 coldspot (exon 11 using historical exon numbering). Reclassification based on statistical prior probability

Ambry Genetics
Classification: Uncertain significance for Hereditary cancer-predisposing syndrome. Last evaluated: 2022-08-11. Review status: criteria provided, single submitter. Criteria: Ambry Variant Classification Scheme 2023. Collection method: clinical testing. Allele origin: germline.
Comment: The p.A942T variant (also known as c.2824G>A), located in coding exon 9 of the BRCA1 gene, results from a G to A substitution at nucleotide position 2824. The alanine at codon 942 is replaced by threonine, an amino acid with similar properties. This amino acid position is conserved. In addition, the in silico prediction for this alteration is inconclusive. Since supporting evidence is limited at this time, the clinical significance of this alteration remains unclear.